The following is an entry in ClinVar:

ClinVar aggregate classification (germline): Uncertain significance (1 of 4 stars; one submission).

Submission:

Labcorp Genetics (formerly Invitae), Labcorp
Classification: Uncertain significance. Last evaluated: 2024-01-06. Review status: criteria provided, single submitter. Criteria: Invitae Variant Classification Sherloc (09022015). Collection method: clinical testing. Allele origin: germline.
Comment: This sequence change replaces proline, which is neutral and non-polar, with arginine, which is basic and polar, at codon 240 of the BCAP31 protein (p.Pro240Arg). This variant is not present in population databases (gnomAD no frequency). This variant has not been reported in the literature in individuals affected with BCAP31-related conditions. An algorithm developed to predict the effect of missense changes on protein structure and function (PolyPhen-2) suggests that this variant is likely to be tolerated. In summary, the available evidence is currently insufficient to determine the role of this variant in disease. Therefore, it has been classified as a Variant of Uncertain Significance.

NM_001256447.2(BCAP31):c.719C>G (p.Pro240Arg)

Gene: BCAP31 (B cell receptor associated protein 31; minus strand). Cytogenetic location: Xq28.
Variant type: single nucleotide variant.
Coding change: c.719C>G on transcript NM_001256447.2 (MANE Select); coding-DNA position 719, C replaced by G.
Protein change: p.Pro240Arg; replaces proline 240 with arginine.
Molecular consequence: missense variant.
Genome position (GRCh38, 1-based): chrX:153,700,959, G>C on the plus strand (C>G on the coding strand, the complement: BCAP31 is on the minus strand). VCF-style: chrX-153700959-G-C. GRCh37 (hg19) VCF-style: chrX-152966414-G-C.
Other names: c.719C>G, p.Pro240Arg (NM_001139441.1, NM_005745.8); c.920C>G, p.Pro307Arg (NM_001139457.2); short protein forms P307R, P240R.
Identifiers: ClinVar variation 2707893 (VCV002707893.3), dbSNP rs200212822, ClinGen allele CA415092968.